The following is an entry in ClinVar:

ClinVar aggregate classification (germline): Benign. Review status: criteria provided, multiple submitters, no conflicts (2 of 4 stars). 3 submissions from 3 submitters: Benign (2). 1 of the submissions does not count toward it. Last evaluated 2026-02-02.

Conditions:
MHC class I deficiency. Identifiers: Orphanet 34592, MedGen C6024714, MONDO:0011476.
TAPBP-related disorder. Also called: TAPBP-related condition.

Allele frequency attached by ClinVar (database versions not stated): gnomAD exomes 0.00366 and 0.00869; ExAC 0.01075; gnomAD 0.03488 and 0.03252; ESP Exome Variant Server 0.03798; TOPMed 0.03796; 1000 Genomes Project 0.03814; 1000 Genomes Project 30x 0.04013.

Submissions (3):

Labcorp Genetics (formerly Invitae), Labcorp
Classification: Benign for MHC class I deficiency 1. Last evaluated: 2026-02-02. Review status: criteria provided, single submitter. Criteria: Invitae Variant Classification Sherloc (09022015). Collection method: clinical testing. Allele origin: germline.

Women's Health and Genetics/Laboratory Corporation of America, LabCorp
Classification: Benign. Last evaluated: 2026-01-21. Review status: criteria provided, single submitter. Criteria: LabCorp Variant Classification Summary - May 2015. Collection method: clinical testing. Allele origin: germline.

PreventionGenetics, part of Exact Sciences
Classification: Benign for TAPBP-related condition. Last evaluated: 2019-07-08. Review status: no assertion criteria provided. Collection method: clinical testing. Allele origin: germline. Not counted in ClinVar's aggregate classification.
Comment: This variant is classified as benign based on ACMG/AMP sequence variant interpretation guidelines (Richards et al. 2015 PMID: 25741868, with internal and published modifications).

NM_003190.5(TAPBP):c.1239C>T (p.Ser413=)

Gene: TAPBP (TAP binding protein; minus strand). Cytogenetic location: 6p21.32.
Variant type: single nucleotide variant.
Coding change: c.1239C>T on transcript NM_003190.5 (MANE Select); coding-DNA position 1239, C replaced by T.
Protein change: p.Ser413=; no amino-acid change (serine 413 retained).
Molecular consequence: synonymous variant.
Genome position (GRCh38, 1-based): chr6:33,304,189, G>A on the plus strand (C>T on the coding strand, the complement: TAPBP is on the minus strand). VCF-style: chr6-33304189-G-A. GRCh37 (hg19) VCF-style: chr6-33271966-G-A.
Other names: c.1239C>T, p.Ser413= (NM_172208.3); c.978C>T, p.Ser326= (NM_172209.3).
Identifiers: ClinVar variation 466396 (VCV000466396.14), dbSNP rs34132052, ClinGen allele CA3755680.